The following is an entry in ClinVar:

NM_000038.6(APC):c.2232T>G (p.Ser744=)

Gene: APC (APC regulator of Wnt signaling pathway; plus strand). Cytogenetic location: 5q22.2.
Variant type: single nucleotide variant.
Coding change: c.2232T>G on transcript NM_000038.6 (MANE Select); coding-DNA position 2232, T replaced by G.
Protein change: p.Ser744=; no amino-acid change (serine 744 retained).
Molecular consequence: synonymous variant.
Genome position (GRCh38, 1-based): chr5:112,837,826, T>G. VCF-style: chr5-112837826-T-G. GRCh37 (hg19) VCF-style: chr5-112173523-T-G.
Other names: c.2232T>G, p.Ser744= (NM_001127510.3, NM_001354895.2); c.2178T>G, p.Ser726= (NM_001127511.3); c.2286T>G, p.Ser762= (NM_001354896.2); c.2262T>G, p.Ser754= (NM_001354897.2); c.2157T>G, p.Ser719= (NM_001354898.2); c.2148T>G, p.Ser716= (NM_001354899.2); c.2109T>G, p.Ser703= (NM_001354900.2); c.2055T>G, p.Ser685= (NM_001354901.2); and 5 more.
Identifiers: ClinVar variation 184078 (VCV000184078.36), dbSNP rs145751759, ClinGen allele CA007308.

ClinVar aggregate classification (germline): Conflicting classifications of pathogenicity. Review status: criteria provided, conflicting classifications (1 of 4 stars). 14 submissions from 14 submitters: Uncertain significance (1); Benign (6); Likely benign (5). 2 of the submissions do not count toward it. Last evaluated 2026-02-03.

Conditions:
APC-related disorder. Also called: APC-related condition.
Hereditary cancer-predisposing syndrome. Also called: Tumor predisposition; Neoplastic Syndromes, Hereditary; Hereditary neoplastic syndrome; Hereditary Cancer Syndrome. Identifiers: Orphanet 140162, MedGen C0027672, MeSH D009386, MONDO:0015356.
Familial adenomatous polyposis 1 (FAP1). Also called: FAMILIAL ADENOMATOUS POLYPOSIS 1, ATTENUATED; POLYPOSIS, ADENOMATOUS INTESTINAL. Identifiers: MedGen C2713442, MONDO:0021056, OMIM 175100. Disease mechanism: loss of function.

Allele frequency attached by ClinVar (database versions not stated): gnomAD exomes 0.00003 and 0.00007; ExAC 0.00008; gnomAD 0.00028 and 0.00032; ESP Exome Variant Server 0.00031; TOPMed 0.00034; 1000 Genomes Project 30x 0.00047; 1000 Genomes Project 0.00060.
gnomAD v4.1: 94 of 1,614,010 alleles (0.0058%); highest among the groups gnomAD compares: African/African-American, 0.12%; no homozygotes.

Submissions (14):

Labcorp Genetics (formerly Invitae), Labcorp
Classification: Benign for Familial adenomatous polyposis 1. Last evaluated: 2026-02-03. Review status: criteria provided, single submitter. Criteria: Invitae Variant Classification Sherloc (09022015). Collection method: clinical testing. Allele origin: germline.

Blueprint Genetics
Classification: Likely benign. Last evaluated: 2024-03-26. Review status: criteria provided, single submitter. Criteria: ACMG Guidelines, 2015. Collection method: clinical testing. Allele origin: germline.

Myriad Genetics, Inc.
Classification: Benign for Familial adenomatous polyposis 1. Last evaluated: 2023-02-17. Review status: criteria provided, single submitter. Criteria: Myriad Autosomal Dominant, Autosomal Recessive and X-Linked Classification Criteria (2023). Collection method: clinical testing. Allele origin: unknown.
Comment: This variant is considered benign. This variant is a silent/synonymous amino acid change and it is not expected to impact splicing.

Quest Diagnostics Nichols Institute San Juan Capistrano
Classification: Benign. Last evaluated: 2021-08-25. Review status: criteria provided, single submitter. Criteria: Quest Diagnostics criteria. Collection method: clinical testing. Allele origin: unknown.

Sema4
Classification: Benign for Hereditary cancer-predisposing syndrome. Last evaluated: 2020-10-27. Review status: criteria provided, single submitter. Criteria: Sema4 Curation Guidelines. Collection method: curation. Allele origin: germline.

Mendelics
Classification: Likely benign for Familial adenomatous polyposis 1. Last evaluated: 2019-05-28. Review status: criteria provided, single submitter. Criteria: Mendelics Assertion Criteria 2017. Collection method: clinical testing. Allele origin: unknown.

Eurofins Ntd Llc (ga)
Classification: Uncertain significance. Last evaluated: 2018-05-25. Review status: criteria provided, single submitter. Criteria: EGL ClinVar v180209 classification definitions. Collection method: clinical testing. Allele origin: germline. Observed: 1 variant allele, 1 heterozygote.

ARUP Laboratories, Molecular Genetics and Genomics, ARUP Laboratories
Classification: Likely benign. Last evaluated: 2016-10-18. Review status: criteria provided, single submitter. Criteria: ARUP Molecular Germline Variant Investigation Process. Collection method: clinical testing. Allele origin: germline.

Women's Health and Genetics/Laboratory Corporation of America, LabCorp
Classification: Benign. Last evaluated: 2016-07-01. Review status: criteria provided, single submitter. Criteria: LabCorp Variant Classification Summary - May 2015. Collection method: clinical testing. Allele origin: germline.
Comment: Variant summary: The APC c.2232T>G (p.Ser744Ser) variant involves the alteration of a non-conserved nucleotide, resulting in a synonymous change. One in silico tool predicts a damaging outcome for this variant, and 1/5 splicing algorithms predict the loss of a cryptic splicing acceptor site. The variant of interest has not, to our knowledge, been evaluated for functional impact by in vivo/vitro studies. This variant was found in 10/120424 control chromosomes, predominantly observed in the African subpopulation at a frequency of 0.0009762 (10/10244). This frequency is about 14 times the estimated maximal expected allele frequency of a pathogenic APC variant (0.0000714), suggesting this is likely a benign polymorphism found primarily in the populations of African origin. In addition, one clinical diagnostic laboratory classified this variant as likely benign. Taken together, this variant is classified as Benign.

Color Diagnostics, LLC DBA Color Health
Classification: Likely benign for Hereditary cancer-predisposing syndrome. Last evaluated: 2016-03-18. Review status: criteria provided, single submitter. Criteria: ACMG Guidelines, 2015. Collection method: clinical testing. Allele origin: germline.

GeneDx
Classification: Benign. Last evaluated: 2015-07-02. Review status: criteria provided, single submitter. Criteria: GeneDx Variant Classification (06012015). Collection method: clinical testing. Allele origin: germline. Affected: yes.
Comment: This variant is considered likely benign or benign based on one or more of the following criteria: it is a conservative change, it occurs at a poorly conserved position in the protein, it is predicted to be benign by multiple in silico algorithms, and/or has population frequency not consistent with disease.

Ambry Genetics
Classification: Likely benign for Hereditary cancer-predisposing syndrome. Last evaluated: 2014-09-24. Review status: criteria provided, single submitter. Criteria: Ambry Variant Classification Scheme 2023. Collection method: clinical testing. Allele origin: germline.

PreventionGenetics, part of Exact Sciences
Classification: Likely benign for APC-related condition. Last evaluated: 2019-09-25. Review status: no assertion criteria provided. Collection method: clinical testing. Allele origin: germline. Not counted in ClinVar's aggregate classification.
Comment: This variant is classified as likely benign based on ACMG/AMP sequence variant interpretation guidelines (Richards et al. 2015 PMID: 25741868, with internal and published modifications).

Counsyl
Classification: Likely benign for Familial adenomatous polyposis 1. Last evaluated: 2018-01-29. Review status: no assertion criteria provided. Collection method: clinical testing. Allele origin: unknown. Not counted in ClinVar's aggregate classification.

Literature cited by the submitters: PubMed 23159591 (cited by 3 submitters).